The following is an entry in ClinVar:

ClinVar aggregate classification (germline): Pathogenic/Likely pathogenic. Review status: criteria provided, multiple submitters, no conflicts (2 of 4 stars). 2 submissions from 2 submitters: Pathogenic (1); Likely pathogenic (1). Last evaluated 2024-06-19.

Conditions:
Donnai-Barrow syndrome. Also called: DBS/FOAR SYNDROME; FACIOOCULOACOUSTICORENAL SYNDROME. Identifiers: Orphanet 2143, MedGen C1857277, MONDO:0009104, OMIM 222448.

Submissions (2):

Fulgent Genetics
Classification: Likely pathogenic for Donnai-Barrow syndrome. Last evaluated: 2024-06-19. Review status: criteria provided, single submitter. Criteria: ACMG Guidelines, 2015. Collection method: clinical testing. Allele origin: germline.

Labcorp Genetics (formerly Invitae), Labcorp
Classification: Pathogenic. Last evaluated: 2023-10-22. Review status: criteria provided, single submitter. Criteria: Invitae Variant Classification Sherloc (09022015). Collection method: clinical testing. Allele origin: germline.
Comment: This sequence change creates a premature translational stop signal (p.Arg3184*) in the LRP2 gene. It is expected to result in an absent or disrupted protein product. Loss-of-function variants in LRP2 are known to be pathogenic (PMID: 17632512, 25682901). This variant is not present in population databases (gnomAD no frequency). This variant has not been reported in the literature in individuals affected with LRP2-related conditions. For these reasons, this variant has been classified as Pathogenic.

Literature cited by the submitters: PubMed 17632512 (cited by Labcorp Genetics (formerly Invitae), Labcorp); PubMed 25682901 (cited by Labcorp Genetics (formerly Invitae), Labcorp).

NM_004525.3(LRP2):c.9550C>T (p.Arg3184Ter)

Gene: LRP2 (LDL receptor related protein 2; minus strand). Cytogenetic location: 2q31.1.
Variant type: single nucleotide variant.
Coding change: c.9550C>T on transcript NM_004525.3 (MANE Select); coding-DNA position 9550, C replaced by T.
Protein change: p.Arg3184Ter; replaces arginine 3184 with a stop codon.
Molecular consequence: nonsense.
Genome position (GRCh38, 1-based): chr2:169,185,798, G>A on the plus strand (C>T on the coding strand, the complement: LRP2 is on the minus strand). VCF-style: chr2-169185798-G-A. GRCh37 (hg19) VCF-style: chr2-170042308-G-A.
Other names: short protein forms R3184*.
Identifiers: ClinVar variation 2734334 (VCV002734334.5), dbSNP rs1687615194, ClinGen allele CA349154154.